The following is an entry in ClinVar:

NM_001353345.2(SETD1B):c.932G>A (p.Arg311Gln)

Gene: SETD1B (SET domain containing 1B, histone lysine methyltransferase; plus strand). Cytogenetic location: 12q24.31.
Variant type: single nucleotide variant.
Coding change: c.932G>A on transcript NM_001353345.2 (MANE Select); coding-DNA position 932, G replaced by A.
Protein change: p.Arg311Gln; replaces arginine 311 with glutamine.
Molecular consequence: missense variant.
Genome position (GRCh38, 1-based): chr12:121,809,877, G>A. VCF-style: chr12-121809877-G-A. GRCh37 (hg19) VCF-style: chr12-122247783-G-A.
Other names: short protein forms R311Q.
Identifiers: ClinVar variation 2631193 (VCV002631193.2), dbSNP rs1166853714, ClinGen allele CA386990519.

ClinVar aggregate classification (germline): Uncertain significance (1 of 4 stars; one submission).

Conditions:
SETD1B-related disorder. Also called: SETD1B-related condition.

Allele frequency attached by ClinVar (database versions not stated): gnomAD 0.00001; TOPMed 0.00001.
gnomAD v4.1: 4 of 1,550,950 alleles (0.00026%); highest among the groups gnomAD compares: Admixed American, 0.002%; no homozygotes.

Submission:

PreventionGenetics, part of Exact Sciences
Classification: Uncertain significance for SETD1B-related condition. Last evaluated: 2025-04-01. Review status: criteria provided, single submitter. Criteria: ACMG Guidelines, 2015. Collection method: clinical testing. Allele origin: germline.
Comment: The SETD1B c.932G>A variant is predicted to result in the amino acid substitution p.Arg311Gln. To our knowledge, this variant has not been reported in the literature. This variant is reported in 0.013% of alleles in individuals of African descent in gnomAD. Although we suspect that this variant may be pathogenic, at this time, the clinical significance of this variant is uncertain due to the absence of conclusive functional and genetic evidence.